The following is an entry in ClinVar:

NM_173477.5(USH1G):c.166G>T (p.Gly56Cys)

Gene: USH1G (USH1 protein network component sans; minus strand). Cytogenetic location: 17q25.1.
Variant type: single nucleotide variant.
Coding change: c.166G>T on transcript NM_173477.5 (MANE Select); coding-DNA position 166, G replaced by T.
Protein change: p.Gly56Cys; replaces glycine 56 with cysteine.
Molecular consequence: missense variant. On other transcripts: intron variant (1).
Genome position (GRCh38, 1-based): chr17:74,920,670, C>A on the plus strand (G>T on the coding strand, the complement: USH1G is on the minus strand). VCF-style: chr17-74920670-C-A. GRCh37 (hg19) VCF-style: chr17-72916765-C-A.
Other names: c.-92-52G>T (NM_001282489.3); short protein forms G56C.
Identifiers: ClinVar variation 946893 (VCV000946893.8), dbSNP rs2038932631, ClinGen allele CA400966955.

ClinVar aggregate classification (germline): Uncertain significance (1 of 4 stars; one submission).

Submission:

Labcorp Genetics (formerly Invitae), Labcorp
Classification: Uncertain significance. Last evaluated: 2019-07-25. Review status: criteria provided, single submitter. Criteria: Invitae Variant Classification Sherloc (09022015). Collection method: clinical testing. Allele origin: germline.
Comment: In summary, the available evidence is currently insufficient to determine the role of this variant in disease. Therefore, it has been classified as a Variant of Uncertain Significance. Algorithms developed to predict the effect of sequence changes on RNA splicing suggest that this variant may create or strengthen a splice site, but this prediction has not been confirmed by published transcriptional studies. This sequence change replaces glycine with cysteine at codon 56 of the USH1G protein (p.Gly56Cys). The glycine residue is highly conserved and there is a large physicochemical difference between glycine and cysteine. Algorithms developed to predict the effect of missense changes on protein structure and function (SIFT, PolyPhen-2, Align-GVGD) all suggest that this variant is likely to be disruptive, but these predictions have not been confirmed by published functional studies and their clinical significance is uncertain. This variant has not been reported in the literature in individuals with USH1G-related conditions. This variant is not present in population databases (ExAC no frequency).